The following is an entry in ClinVar:

ClinVar aggregate classification (germline): Benign/Likely benign. Review status: criteria provided, multiple submitters, no conflicts (2 of 4 stars). 3 submissions from 3 submitters: Benign (1); Likely benign (2). Last evaluated 2025-10-19.

Conditions:
Lynch syndrome 4 (LYNCH4). Also called: Hereditary non-polyposis colorectal cancer, type 4; Colorectal cancer, hereditary nonpolyposis, type 4. Identifiers: Orphanet 144, MedGen C1838333, MONDO:0013699, OMIM 614337. Disease mechanism: loss of function.
Hereditary nonpolyposis colorectal neoplasms. Identifiers: MedGen C0009405, MeSH D003123.
Hereditary cancer-predisposing syndrome. Also called: Neoplastic Syndromes, Hereditary; Hereditary neoplastic syndrome; Tumor predisposition; Hereditary Cancer Syndrome. Identifiers: Orphanet 140162, MedGen C0027672, MeSH D009386, MONDO:0015356.

Submissions (3):

Labcorp Genetics (formerly Invitae), Labcorp
Classification: Likely benign for Hereditary nonpolyposis colorectal neoplasms. Last evaluated: 2025-10-19. Review status: criteria provided, single submitter. Criteria: Invitae Variant Classification Sherloc (09022015). Collection method: clinical testing. Allele origin: germline.

Myriad Genetics, Inc.
Classification: Benign for Lynch syndrome 4. Last evaluated: 2025-02-03. Review status: criteria provided, single submitter. Criteria: Myriad Autosomal Dominant, Autosomal Recessive and X-Linked Classification Criteria (2023). Collection method: clinical testing. Allele origin: unknown.
Comment: This variant is considered benign. This variant is a silent/synonymous amino acid change and it is not expected to impact splicing.

Ambry Genetics
Classification: Likely benign for Hereditary cancer-predisposing syndrome. Last evaluated: 2022-10-17. Review status: criteria provided, single submitter. Criteria: Ambry Variant Classification Scheme 2023. Collection method: clinical testing. Allele origin: germline.

NM_000535.7(PMS2):c.2151G>T (p.Val717=)

Gene: PMS2 (PMS1 homolog 2, mismatch repair system component; minus strand). Cytogenetic location: 7p22.1.
Variant type: single nucleotide variant.
Coding change: c.2151G>T on transcript NM_000535.7 (MANE Select); coding-DNA position 2151, G replaced by T.
Protein change: p.Val717=; no amino-acid change (valine 717 retained).
Molecular consequence: synonymous variant. On other transcripts: non-coding transcript variant (1).
Genome position (GRCh38, 1-based): chr7:5,982,847, C>A on the plus strand (G>T on the coding strand, the complement: PMS2 is on the minus strand). VCF-style: chr7-5982847-C-A. GRCh37 (hg19) VCF-style: chr7-6022478-C-A.
Other names: c.1746G>T, p.Val582= (NM_001322003.2, NM_001322004.2, NM_001322005.2 and 1 more transcripts); c.1995G>T, p.Val665= (NM_001322006.2); c.1833G>T, p.Val611= (NM_001322007.2, NM_001322008.2); c.1590G>T, p.Val530= (NM_001322010.2); c.1218G>T, p.Val406= (NM_001322011.2, NM_001322012.2); c.1578G>T, p.Val526= (NM_001322013.2); c.2151G>T, p.Val717= (NM_001322014.2); c.1842G>T, p.Val614= (NM_001322015.2).
Identifiers: ClinVar variation 794729 (VCV000794729.14), dbSNP rs1583298278, ClinGen allele CA453643004.